The following is an entry in ClinVar:

NM_000069.3(CACNA1S):c.4797+120A>G

Gene: CACNA1S (calcium voltage-gated channel subunit alpha1 S; minus strand). Cytogenetic location: 1q32.1.
Variant type: single nucleotide variant.
Coding change: c.4797+120A>G on transcript NM_000069.3 (MANE Select); 120 bases into the intron after coding-DNA position 4797, A replaced by G.
Molecular consequence: intron variant.
Genome position (GRCh38, 1-based): chr1:201,044,208, T>C on the plus strand (A>G on the coding strand, the complement: CACNA1S is on the minus strand). VCF-style: chr1-201044208-T-C. GRCh37 (hg19) VCF-style: chr1-201013336-T-C.
Identifiers: ClinVar variation 678237 (VCV000678237.1), dbSNP rs2297906, ClinGen allele CA10748462.

ClinVar aggregate classification (germline): Benign (1 of 4 stars; one submission).

Allele frequency attached by ClinVar (database versions not stated): 1000 Genomes Project 0.50819; 1000 Genomes Project 30x 0.51780; gnomAD 0.55013; TOPMed 0.56377.
gnomAD v4.1: 589,640 of 1,217,694 alleles (48%); highest among the groups gnomAD compares: African/African-American, 79%; 148,088 homozygotes.

Submission:

GeneDx
Classification: Benign. Last evaluated: 2018-06-14. Review status: criteria provided, single submitter. Criteria: GeneDx Variant Classification (06012015). Collection method: clinical testing. Allele origin: germline. Affected: yes.
Comment: This variant is considered likely benign or benign based on one or more of the following criteria: it is a conservative change, it occurs at a poorly conserved position in the protein, it is predicted to be benign by multiple in silico algorithms, and/or has population frequency not consistent with disease.